The following is an entry in ClinVar:

NM_152296.5(ATP1A3):c.1063G>T (p.Glu355Ter)

Gene: ATP1A3 (ATPase Na+/K+ transporting subunit alpha 3; minus strand). Cytogenetic location: 19q13.2.
Variant type: single nucleotide variant.
Coding change: c.1063G>T on transcript NM_152296.5 (MANE Select); coding-DNA position 1063, G replaced by T.
Protein change: p.Glu355Ter; replaces glutamic acid 355 with a stop codon.
Molecular consequence: nonsense.
Genome position (GRCh38, 1-based): chr19:41,982,037, C>A on the plus strand (G>T on the coding strand, the complement: ATP1A3 is on the minus strand). VCF-style: chr19-41982037-C-A. GRCh37 (hg19) VCF-style: chr19-42486189-C-A.
Other names: c.1096G>T, p.Glu366Ter (NM_001256213.2); c.1102G>T, p.Glu368Ter (NM_001256214.2); short protein forms E355*, E366*, E368*.
Identifiers: ClinVar variation 3906630 (VCV003906630.1).

ClinVar aggregate classification (germline): Uncertain significance (1 of 4 stars; one submission).

Submission:

GeneDx
Classification: Uncertain significance. Last evaluated: 2024-12-17. Review status: criteria provided, single submitter. Criteria: GeneDx Variant Classification Process June 2021. Collection method: clinical testing. Allele origin: germline. Affected: yes.
Comment: Nonsense variant predicted to result in protein truncation or nonsense mediated decay in a gene or region of a gene for which loss of function is not a well-established mechanism of disease; Not observed at significant frequency in large population cohorts (gnomAD); Has not been previously published as pathogenic or benign to our knowledge